The following is an entry in ClinVar:

ClinVar aggregate classification (germline): Pathogenic (1 of 4 stars; one submission).

Conditions:
Marshall-Smith syndrome (MRSHSS). Identifiers: Orphanet 561, MedGen C0265211, MONDO:0011244, OMIM 602535.
Malan overgrowth syndrome (MALNS). Also called: MALAN SYNDROME; NFIX-Related Malan Syndrome; Sotos syndrome 2. Identifiers: Orphanet 420179, MedGen C3553660, MONDO:0013885, OMIM 614753.

Submission:

Labcorp Genetics (formerly Invitae), Labcorp
Classification: Pathogenic for Malan overgrowth syndrome; Marshall-Smith syndrome. Last evaluated: 2024-04-01. Review status: criteria provided, single submitter. Criteria: Invitae Variant Classification Sherloc (09022015). Collection method: clinical testing. Allele origin: germline.
Comment: This sequence change creates a premature translational stop signal (p.Lys50Glnfs*4) in the NFIX gene. It is expected to result in an absent or disrupted protein product. Loss-of-function variants in NFIX are known to be pathogenic (PMID: 20673863, 20949508, 24924640, 25118028). This variant is not present in population databases (gnomAD no frequency). This variant has not been reported in the literature in individuals affected with NFIX-related conditions. For these reasons, this variant has been classified as Pathogenic.

Literature cited by the submitters: PubMed 20673863; PubMed 20949508; PubMed 24924640; PubMed 25118028.

NM_001365902.3(NFIX):c.122dup (p.Lys42fs)

Gene: NFIX (nuclear factor I X; plus strand). Cytogenetic location: 19p13.13.
Variant type: Duplication.
Coding change: c.122dup on transcript NM_001365902.3 (MANE Select); coding-DNA position 122, one base duplicated (T; older notation c.122dupT).
Protein change: p.Lys42fs; shifts the reading frame from lysine 42.
Molecular consequence: frameshift variant. On other transcripts: 5 prime UTR variant (1).
Genome position (GRCh38, 1-based): chr19:13,025,115, T duplicated; the last of 2 consecutive T bases (chr19:13,025,114-13,025,115); duplicating either gives the same sequence. VCF-style (leftmost placement, unchanged base first): chr19-13025113-C-CT. GRCh37 (hg19) VCF-style: chr19-13135927-C-CT.
Other names: c.146dup, p.Lys50fs (NM_001271043.2); c.98dup, p.Lys34fs (NM_001271044.3, NM_001378404.1); c.122dup, p.Lys42fs (NM_001365982.2, NM_002501.4); c.-20dup (NM_001365983.2); c.119dup, p.Lys41fs (NM_001365984.2, NM_001365985.2); c.170dup, p.Lys58fs (NM_001378405.1); short protein forms K34fs, K41fs, K42fs, K50fs, K58fs.
Identifiers: ClinVar variation 3755613 (VCV003755613.2).
Genomic context (GRCh38, chr19:13,025,113, plus strand): 5'-GCCTCACGTCCGCGCTTTCTCCTACACCTGGTTCAACCTGCAGGCGCGGAAGCGCAAGTA[C>CT]TTCAAGAAGCATGAAAAGCGGATGTCGAAGGACGAGGAGCGGGCGGTGAAGGACGAGCTG-3'